The following is an entry in ClinVar:

ClinVar aggregate classification (germline): Pathogenic (1 of 4 stars; one submission).

Conditions:
Primary hyperoxaluria, type II (HP2). Also called: OXALOSIS II; Primary hyperoxaluria type 2; D-GLYCERATE DEHYDROGENASE DEFICIENCY; GLYCERIC ACIDURIA; GLYOXYLATE REDUCTASE/HYDROXYPYRUVATE REDUCTASE DEFICIENCY. Identifiers: Orphanet 416, Orphanet 93599, MedGen C0268165, MONDO:0009824, OMIM 260000. Disease mechanism: loss of function.

Submission:

Rare Kidney Stone Consortium and the Mayo Clinic Hyperoxaluria Center, Mayo Clinic
Classification: Pathogenic for Primary hyperoxaluria, type II. Last evaluated: 2023-10-27. Review status: criteria provided, single submitter. Criteria: ACMG Guidelines, 2015. Collection method: clinical testing. Allele origin: germline. Affected: yes.
Comment: ACMG:PVS1 PM2 PM4

Literature cited by the submitters: PubMed 25644115.

NM_012203.2(GRHPR):c.769dup (p.Ala257fs)

Gene: GRHPR (glyoxylate and hydroxypyruvate reductase; plus strand). Cytogenetic location: 9p13.2.
Variant type: Duplication.
Coding change: c.769dup on transcript NM_012203.2 (MANE Select); coding-DNA position 769, one base duplicated (G; older notation c.769dupG).
Protein change: p.Ala257fs; shifts the reading frame from alanine 257.
Molecular consequence: frameshift variant.
Genome position (GRCh38, 1-based): chr9:37,432,042, G duplicated; the last of 2 consecutive G bases (chr9:37,432,041-37,432,042); duplicating either gives the same sequence. VCF-style (leftmost placement, unchanged base first): chr9-37432040-A-AG. GRCh37 (hg19) VCF-style: chr9-37432037-A-AG.
Other names: short protein forms A257fs.
Identifiers: ClinVar variation 2664105 (VCV002664105.1), dbSNP rs775659622, ClinGen allele CA5059264.